The following is an entry in ClinVar:

NM_001199397.3(NEK1):c.1335T>C (p.His445=)

Gene: NEK1 (NIMA related kinase 1; minus strand). Cytogenetic location: 4q33.
Variant type: single nucleotide variant.
Coding change: c.1335T>C on transcript NM_001199397.3 (MANE Select); coding-DNA position 1335, T replaced by C.
Protein change: p.His445=; no amino-acid change (histidine 445 retained).
Molecular consequence: synonymous variant. On other transcripts: non-coding transcript variant (1).
Genome position (GRCh38, 1-based): chr4:169,556,027, A>G on the plus strand (T>C on the coding strand, the complement: NEK1 is on the minus strand). VCF-style: chr4-169556027-A-G. GRCh37 (hg19) VCF-style: chr4-170477178-A-G.
Other names: c.1335T>C, p.His445= (NM_001199398.3, NM_001199400.3, NM_001374418.1 and 2 more transcripts); c.1260T>C, p.His420= (NM_001199399.3); c.1284T>C, p.His428= (NM_001374420.1); c.1209T>C, p.His403= (NM_001374421.1).
Identifiers: ClinVar variation 1702465 (VCV001702465.9), dbSNP rs776957816, ClinGen allele CA3137764.
Genomic context (GRCh38, chr4:169,556,027, plus strand): 5'-CCATTTAGCTTCATTATCTTCTGCTCTTTGTTGCTGCATTTGGTCAAAAATGGCATGGTA[A>G]TGTTCATACTGTCCTCGAGAAGAAAAAGATGATGGAGCTATAGTCCCTCCACTGCCCAGA-3'
Protein context (NP_001186326.1, residues 435-455): SSFSSRGQYE[His445=]YHAIFDQMQQ

ClinVar aggregate classification (germline): Conflicting classifications of pathogenicity. Review status: criteria provided, conflicting classifications (1 of 4 stars). 3 submissions from 3 submitters: Uncertain significance (1); Likely benign (1). 1 of the submissions does not count toward it. Last evaluated 2025-04-30.

Conditions:
NEK1-related disorder. Also called: NEK1-related condition.
Connective tissue disorder. Also called: Connective tissue disease. Identifiers: MedGen C0009782, MONDO:0003900.
Short-rib thoracic dysplasia 6 with or without polydactyly (SRTD6). Also called: SHORT-RIB THORACIC DYSPLASIA 6 WITH POLYDACTYLY; SHORT-RIB THORACIC DYSPLASIA 6 WITHOUT POLYDACTYLY; POLYDACTYLY WITH NEONATAL CHONDRODYSTROPHY, TYPE II; SHORT RIB-POLYDACTYLY SYNDROME, TYPE IIA; Majewski Syndrome. Identifiers: MedGen C0024507, MONDO:0009894, OMIM 263520.

Allele frequency attached by ClinVar (database versions not stated): gnomAD 0.00001 and 0.00002; gnomAD exomes 0.00002 and 0.00003; TOPMed 0.00002; ExAC 0.00003.
gnomAD v4.1: 28 of 1,613,596 alleles (0.0017%); highest among the groups gnomAD compares: Middle Eastern, 0.099%; no homozygotes.

Submissions (3):

Labcorp Genetics (formerly Invitae), Labcorp
Classification: Likely benign for Short-rib thoracic dysplasia 6 with or without polydactyly. Last evaluated: 2025-04-30. Review status: criteria provided, single submitter. Criteria: Invitae Variant Classification Sherloc (09022015). Collection method: clinical testing. Allele origin: germline.

Genome Diagnostics Laboratory, The Hospital for Sick Children
Classification: Uncertain significance for Connective tissue disorder. Last evaluated: 2019-06-01. Review status: criteria provided, single submitter. Criteria: ACMG Guidelines, 2015. Collection method: clinical testing. Allele origin: germline.

PreventionGenetics, part of Exact Sciences
Classification: Likely benign for NEK1-related condition. Last evaluated: 2024-08-07. Review status: no assertion criteria provided. Collection method: clinical testing. Allele origin: germline. Not counted in ClinVar's aggregate classification.
Comment: This variant is classified as likely benign based on ACMG/AMP sequence variant interpretation guidelines (Richards et al. 2015 PMID: 25741868, with internal and published modifications).